The following is an entry in ClinVar:

ClinVar aggregate classification (germline): Uncertain significance (1 of 4 stars; one submission).

Conditions:
Noonan syndrome (NS). Also called: Noonan's syndrome. Identifiers: Orphanet 648, MedGen C0028326, MeSH D009634, MONDO:0018997. Disease mechanism: gain of function.

Submission:

Labcorp Genetics (formerly Invitae), Labcorp
Classification: Uncertain significance for Noonan syndrome. Last evaluated: 2021-03-28. Review status: criteria provided, single submitter. Criteria: Invitae Variant Classification Sherloc (09022015). Collection method: clinical testing. Allele origin: germline.
Comment: In summary, the available evidence is currently insufficient to determine the role of this variant in disease. Therefore, it has been classified as a Variant of Uncertain Significance. Algorithms developed to predict the effect of missense changes on protein structure and function are either unavailable or do not agree on the potential impact of this missense change (SIFT: "Deleterious"; PolyPhen-2: "Benign"; Align-GVGD: "Class C15"). This variant has not been reported in the literature in individuals with RRAS-related conditions. This variant is not present in population databases (ExAC no frequency). This sequence change replaces arginine with proline at codon 150 of the RRAS protein (p.Arg150Pro). The arginine residue is highly conserved and there is a moderate physicochemical difference between arginine and proline.

NM_006270.5(RRAS):c.449G>C (p.Arg150Pro)

Gene: RRAS (RAS related; minus strand). Cytogenetic location: 19q13.33.
Variant type: single nucleotide variant.
Coding change: c.449G>C on transcript NM_006270.5 (MANE Select); coding-DNA position 449, G replaced by C.
Protein change: p.Arg150Pro; replaces arginine 150 with proline.
Molecular consequence: missense variant.
Genome position (GRCh38, 1-based): chr19:49,636,623, C>G on the plus strand (G>C on the coding strand, the complement: RRAS is on the minus strand). VCF-style: chr19-49636623-C-G. GRCh37 (hg19) VCF-style: chr19-50139880-C-G.
Other names: short protein forms R150P.
Identifiers: ClinVar variation 1520990 (VCV001520990.8), dbSNP rs1017555483, ClinGen allele CA406845975.
Genomic context (GRCh38, chr19:49,636,623, plus strand): 5'-CTGGAAGGAGCCTCCCAGACTGAGATGGGGTCCCCAGAAAGAGGGGTGTCCCGAACCTGG[C>G]GCTGTGACTCCAGATCTGCCTTGTTCCCGACCAACACAACGGGGAAGTCGTCGCGGTCCT-3'
Protein context (NP_006261.1, residues 140-160): VGNKADLESQ[Arg150Pro]QVPRSEASAF